The following is an entry in ClinVar:

ClinVar aggregate classification (germline): Likely benign (1 of 4 stars; one submission).

Submission:

GeneDx
Classification: Likely benign. Last evaluated: 2017-11-29. Review status: criteria provided, single submitter. Criteria: GeneDx Variant Classification (06012015). Collection method: clinical testing. Allele origin: germline. Affected: yes.
Comment: This variant is considered likely benign or benign based on one or more of the following criteria: it is a conservative change, it occurs at a poorly conserved position in the protein, it is predicted to be benign by multiple in silico algorithms, and/or has population frequency not consistent with disease.

NM_001267550.2(TTN):c.12276A>G (p.Leu4092=)

Gene: TTN (titin; minus strand). Cytogenetic location: 2q31.2.
Variant type: single nucleotide variant.
Coding change: c.12276A>G on transcript NM_001267550.2 (MANE Select); coding-DNA position 12276, A replaced by G.
Protein change: p.Leu4092=; no amino-acid change (leucine 4092 retained).
Molecular consequence: synonymous variant. On other transcripts: intron variant (1).
Genome position (GRCh38, 1-based): chr2:178,740,957, T>C on the plus strand (A>G on the coding strand, the complement: TTN is on the minus strand). VCF-style: chr2-178740957-T-C. GRCh37 (hg19) VCF-style: chr2-179605684-T-C.
Other names: c.11325A>G, p.Leu3775= (NM_001256850.1); c.11187A>G, p.Leu3729= (NM_003319.4); c.11562A>G, p.Leu3854= (NM_133432.3); c.11763A>G, p.Leu3921= (NM_133437.4); c.10361-2597A>G (NM_133378.4).
Identifiers: ClinVar variation 513786 (VCV000513786.1), dbSNP rs1553940209, ClinGen allele CA430296246.